The following is an entry in ClinVar:

NM_014956.5(CEP164):c.1176G>T (p.Met392Ile)

Gene: CEP164 (centrosomal protein 164; plus strand). Cytogenetic location: 11q23.3.
Variant type: single nucleotide variant.
Coding change: c.1176G>T on transcript NM_014956.5 (MANE Select); coding-DNA position 1176, G replaced by T.
Protein change: p.Met392Ile; replaces methionine 392 with isoleucine.
Molecular consequence: missense variant.
Genome position (GRCh38, 1-based): chr11:117,373,774, G>T. VCF-style: chr11-117373774-G-T. GRCh37 (hg19) VCF-style: chr11-117244490-G-T.
Other names: c.1176G>T, p.Met392Ile (NM_001271933.2); short protein forms M392I.
Identifiers: ClinVar variation 854336 (VCV000854336.9), dbSNP rs759452273, ClinGen allele CA382739311.
Genomic context (GRCh38, chr11:117,373,774, plus strand): 5'-TGCTCTGAGGGATTTCTCTGTGGGTCTGTCTCTCCAGGAACTGGAAATTAGTGAACACAT[G>T]AAGGAACCACAGCTCTCAGACTCCATAGCTTCTGACCCCAAGTCCTTCCATGGCCTGGTG-3'
Protein context (NP_055771.4, residues 382-402): ASQELEISEH[Met392Ile]KEPQLSDSIA

ClinVar aggregate classification (germline): Uncertain significance (1 of 4 stars; one submission).

Conditions:
Nephronophthisis 15 (NPHP15). Identifiers: Orphanet 3156, MedGen C3541853, MONDO:0013917, OMIM 614845.

Submission:

Labcorp Genetics (formerly Invitae), Labcorp
Classification: Uncertain significance for Nephronophthisis 15. Last evaluated: 2019-11-29. Review status: criteria provided, single submitter. Criteria: Invitae Variant Classification Sherloc (09022015). Collection method: clinical testing. Allele origin: germline.
Comment: In summary, the available evidence is currently insufficient to determine the role of this variant in disease. Therefore, it has been classified as a Variant of Uncertain Significance. Algorithms developed to predict the effect of missense changes on protein structure and function (SIFT, PolyPhen-2, Align-GVGD) all suggest that this variant is likely to be tolerated, but these predictions have not been confirmed by published functional studies and their clinical significance is uncertain. This variant has not been reported in the literature in individuals with CEP164-related conditions. This variant is not present in population databases (ExAC no frequency). This sequence change replaces methionine with isoleucine at codon 392 of the CEP164 protein (p.Met392Ile). The methionine residue is weakly conserved and there is a small physicochemical difference between methionine and isoleucine.